The following is an entry in ClinVar:

NM_024596.5(MCPH1):c.2422G>A (p.Val808Ile)

Genes: MCPH1 (microcephalin 1; plus strand), MCPH1-AS1 (MCPH1 antisense RNA 1; minus strand). Cytogenetic location: 8p23.1.
Variant type: single nucleotide variant.
Coding change: c.2422G>A on transcript NM_024596.5 (MANE Select); coding-DNA position 2422, G replaced by A.
Protein change: p.Val808Ile; replaces valine 808 with isoleucine.
Molecular consequence: missense variant.
Genome position (GRCh38, 1-based): chr8:6,621,661, G>A. VCF-style: chr8-6621661-G-A. GRCh37 (hg19) VCF-style: chr8-6479182-G-A.
Other names: c.2422G>A, p.Val808Ile (NM_001322042.2, NM_001363979.1, NM_001410917.1); c.2143G>A, p.Val715Ile (NM_001363980.2); short protein forms V715I, V808I.
Identifiers: ClinVar variation 2637846 (VCV002637846.1), dbSNP rs528069901, ClinGen allele CA4611530.

ClinVar aggregate classification (germline): Uncertain significance (1 of 4 stars; one submission).

Allele frequency attached by ClinVar (database versions not stated): TOPMed below 0.00001; ExAC 0.00002; gnomAD 0.00003.
gnomAD v4.1: 27 of 1,614,248 alleles (0.0017%); highest among the groups gnomAD compares: South Asian, 0.029%; no homozygotes.

Submission:

Women's Health and Genetics/Laboratory Corporation of America, LabCorp
Classification: Uncertain significance. Last evaluated: 2023-10-20. Review status: criteria provided, single submitter. Criteria: LabCorp Variant Classification Summary - May 2015. Collection method: clinical testing. Allele origin: germline.
Comment: Variant summary: MCPH1 c.2422G>A (p.Val808Ile) results in a conservative amino acid change in the encoded protein sequence. Five of five in-silico tools predict a benign effect of the variant on protein function. The variant allele was found at a frequency of 2.8e-05 in 249426 control chromosomes. The available data on variant occurrences in the general population are insufficient to allow any conclusion about variant significance. c.2422G>A at a heterozygous state has been reported in the literature in one individual affected with autosomal recessive microcephaly, without strong evidence for causality (example, Kraemer_2016). These report(s) do not provide unequivocal conclusions about association of the variant with Primary microcephaly. To our knowledge, no experimental evidence demonstrating an impact on protein function has been reported. The following publication have been ascertained in the context of this evaluation (PMID: 26548919). No submitters have cited clinical-significance assessments for this variant to ClinVar after 2014. Based on the evidence outlined above, the variant was classified as uncertain significance.

Literature cited by the submitters: PubMed 26548919.